The following is an entry in ClinVar:

ClinVar aggregate classification (germline): Uncertain significance (1 of 4 stars; one submission).

Submission:

Labcorp Genetics (formerly Invitae), Labcorp
Classification: Uncertain significance. Last evaluated: 2022-06-28. Review status: criteria provided, single submitter. Criteria: Invitae Variant Classification Sherloc (09022015). Collection method: clinical testing. Allele origin: germline.
Comment: This variant is not present in population databases (gnomAD no frequency). In summary, the available evidence is currently insufficient to determine the role of this variant in disease. Therefore, it has been classified as a Variant of Uncertain Significance. Algorithms developed to predict the effect of missense changes on protein structure and function (SIFT, PolyPhen-2, Align-GVGD) all suggest that this variant is likely to be tolerated. This variant has not been reported in the literature in individuals affected with SEMA4A-related conditions. This sequence change replaces phenylalanine, which is neutral and non-polar, with valine, which is neutral and non-polar, at codon 55 of the SEMA4A protein (p.Phe55Val).

NM_022367.4(SEMA4A):c.163T>G (p.Phe55Val)

Gene: SEMA4A (semaphorin 4A; plus strand). Cytogenetic location: 1q22.
Variant type: single nucleotide variant.
Coding change: c.163T>G on transcript NM_022367.4 (MANE Select); coding-DNA position 163, T replaced by G.
Protein change: p.Phe55Val; replaces phenylalanine 55 with valine.
Molecular consequence: missense variant. On other transcripts: 5 prime UTR variant (4).
Genome position (GRCh38, 1-based): chr1:156,156,437, T>G. VCF-style: chr1-156156437-T-G. GRCh37 (hg19) VCF-style: chr1-156126228-T-G.
Other names: c.163T>G, p.Phe55Val (NM_001193300.2, NM_001193301.2, NM_001370567.1); c.-135T>G (NM_001193302.2, NM_001370568.1); c.-362T>G (NM_001370569.1, NM_001370571.1); short protein forms F55V.
Identifiers: ClinVar variation 1391486 (VCV001391486.6), dbSNP rs2102939939, ClinGen allele CA342834500.